The following is an entry in ClinVar:

NM_018486.3(HDAC8):c.206_207insTGATGCTTATCTGCAG (p.Phe70fs)

Gene: HDAC8 (histone deacetylase 8; minus strand). Cytogenetic location: Xq13.1.
Variant type: Insertion.
Coding change: c.206_207insTGATGCTTATCTGCAG on transcript NM_018486.3 (MANE Select); coding-DNA positions 206 to 207, TGATGCTTATCTGCAG inserted.
Protein change: p.Phe70fs; shifts the reading frame from phenylalanine 70.
Molecular consequence: frameshift variant. On other transcripts: non-coding transcript variant (4), intron variant (3).
Genome position: GRCh38 VCF-style: chrX-72568842-G-GCTGCAGATAAGCATCA. GRCh37 (hg19) VCF-style: chrX-71788692-G-GCTGCAGATAAGCATCA.
Other names: c.206_207insTGATGCTTATCTGCAG, p.Phe70fs (NM_001166419.2, NM_001166420.2, NM_001166422.2 and 5 more transcripts); c.164+3214_164+3215insTGATGCTTATCTGCAG (NM_001166418.2, NM_001410728.1, NM_001166448.2); short protein forms F70fs.
Identifiers: ClinVar variation 4531349 (VCV004531349.1).
Genomic context (GRCh38, chrX:72,568,842, plus strand): 5'-ATCATCATCGCCCTCTTGGCTGACCTTCTGGAGATGCTGCAGATAAGCATCAGTGTGGAA[G>GCTGCAGATAAGCATCA]GTGGCCATCTCCTCCATGGAGGCCACTTTAGGCTTAACTATCCTAATAATAACAGAGAGA-3'

ClinVar aggregate classification (germline): Pathogenic (1 of 4 stars; one submission).

Conditions:
Cornelia de Lange syndrome 5 (CDLS5). Also called: HDAC8-Related Cornelia de Lange Syndrome. Identifiers: Orphanet 199, MedGen C3550903, MONDO:0010471, OMIM 300882.

Submission:

Victorian Clinical Genetics Services, Murdoch Childrens Research Institute
Classification: Pathogenic for Cornelia de Lange syndrome 5. Last evaluated: 2025-01-12. Review status: criteria provided, single submitter. Criteria: ACMG Guidelines, 2015. Collection method: clinical testing. Allele origin: germline. Affected: yes.
Comment: This variant is classified as Pathogenic. Evidence in support of pathogenic classification: Variant is predicted to cause nonsense-mediated decay (NMD) and loss of protein (premature termination codon is located at least 54 nucleotides upstream of the final exon-exon junction); Variant is absent from gnomAD (v2, v3 and v4); Other NMD-predicted variant(s) comparable to the one identified in this case have very strong previous evidence for pathogenicity. Many NMD-predicted variants have previously been reported as pathogenic/likely pathogenic in ClinVar; Additional information: This variant is heterozygous; This gene is associated with X-linked disease. Heterozygous females may be affected, mildly affected, or unaffected depending on X-inactivation (OMIM); This variant has no previous evidence of pathogenicity; No published segregation evidence has been identified for this variant; No published functional evidence has been identified for this variant; Loss of function is a known mechanism of disease in this gene and is associated with Cornelia de Lange syndrome 5 (MIM#300882); Variants in this gene are known to have variable expressivity (PMID: 24403048, OMIM).

Literature cited by the submitters: PubMed 24403048.